The following is an entry in ClinVar:

NM_004995.4(MMP14):c.935C>A (p.Pro312His)

Gene: MMP14 (matrix metallopeptidase 14; plus strand). Cytogenetic location: 14q11.2.
Variant type: single nucleotide variant.
Coding change: c.935C>A on transcript NM_004995.4 (MANE Select); coding-DNA position 935, C replaced by A.
Protein change: p.Pro312His; replaces proline 312 with histidine.
Molecular consequence: missense variant.
Genome position (GRCh38, 1-based): chr14:22,843,794, C>A. VCF-style: chr14-22843794-C-A. GRCh37 (hg19) VCF-style: chr14-23313003-C-A.
Other names: short protein forms P312H.
Identifiers: ClinVar variation 3633708 (VCV003633708.2).

ClinVar aggregate classification (germline): Uncertain significance (1 of 4 stars; one submission).

Submission:

Labcorp Genetics (formerly Invitae), Labcorp
Classification: Uncertain significance. Last evaluated: 2024-06-29. Review status: criteria provided, single submitter. Criteria: Invitae Variant Classification Sherloc (09022015). Collection method: clinical testing. Allele origin: germline.
Comment: This sequence change replaces proline, which is neutral and non-polar, with histidine, which is basic and polar, at codon 312 of the MMP14 protein (p.Pro312His). This variant is not present in population databases (gnomAD no frequency). This variant has not been reported in the literature in individuals affected with MMP14-related conditions. Advanced modeling of protein sequence and biophysical properties (such as structural, functional, and spatial information, amino acid conservation, physicochemical variation, residue mobility, and thermodynamic stability) has been performed at Invitae for this missense variant, however the output from this modeling did not meet the statistical confidence thresholds required to predict the impact of this variant on MMP14 protein function. In summary, the available evidence is currently insufficient to determine the role of this variant in disease. Therefore, it has been classified as a Variant of Uncertain Significance.